The following is an entry in ClinVar:

ClinVar aggregate classification (germline): Uncertain significance. Review status: criteria provided, multiple submitters, no conflicts (2 of 4 stars). 2 submissions from 2 submitters: Uncertain significance (2). Last evaluated 2024-03-20.

Conditions:
Inborn genetic diseases. Identifiers: MedGen C0950123, MeSH D030342.

Allele frequency attached by ClinVar (database versions not stated): gnomAD 0.00001; gnomAD exomes 0.00003; ExAC 0.00004; ESP Exome Variant Server 0.00008.
gnomAD v4.1: 42 of 1,604,944 alleles (0.0026%); highest among the groups gnomAD compares: Admixed American, 0.0034%; no homozygotes.

Submissions (2):

Ambry Genetics
Classification: Uncertain significance for Inborn genetic diseases. Last evaluated: 2024-03-20. Review status: criteria provided, single submitter. Criteria: Ambry Variant Classification Scheme 2023. Collection method: clinical testing. Allele origin: germline.

Labcorp Genetics (formerly Invitae), Labcorp
Classification: Uncertain significance. Last evaluated: 2023-04-19. Review status: criteria provided, single submitter. Criteria: Invitae Variant Classification Sherloc (09022015). Collection method: clinical testing. Allele origin: germline.
Comment: This sequence change replaces isoleucine, which is neutral and non-polar, with valine, which is neutral and non-polar, at codon 745 of the PDE2A protein (p.Ile745Val). This variant is present in population databases (rs368127042, gnomAD 0.005%). This variant has not been reported in the literature in individuals affected with PDE2A-related conditions. An algorithm developed to predict the effect of missense changes on protein structure and function (PolyPhen-2) suggests that this variant is likely to be disruptive. In summary, the available evidence is currently insufficient to determine the role of this variant in disease. Therefore, it has been classified as a Variant of Uncertain Significance.

NM_002599.5(PDE2A):c.2233A>G (p.Ile745Val)

Gene: PDE2A (phosphodiesterase 2A; minus strand). Cytogenetic location: 11q13.4.
Variant type: single nucleotide variant.
Coding change: c.2233A>G on transcript NM_002599.5 (MANE Select); coding-DNA position 2233, A replaced by G.
Protein change: p.Ile745Val; replaces isoleucine 745 with valine.
Molecular consequence: missense variant.
Genome position (GRCh38, 1-based): chr11:72,579,557, T>C on the plus strand (A>G on the coding strand, the complement: PDE2A is on the minus strand). VCF-style: chr11-72579557-T-C. GRCh37 (hg19) VCF-style: chr11-72290601-T-C.
Other names: c.2206A>G, p.Ile736Val (NM_001146209.3); c.2170A>G, p.Ile724Val (NM_001243784.2); c.2212A>G, p.Ile738Val (NM_001143839.4); c.2233A>G (NM_002599.4); short protein forms I745V, I724V, I736V, I738V.
Identifiers: ClinVar variation 2992275 (VCV002992275.4), dbSNP rs368127042, ClinGen allele CA6171912.